The following is an entry in ClinVar:

NM_000884.3(IMPDH2):c.1305C>G (p.Asp435Glu)

Gene: IMPDH2 (inosine monophosphate dehydrogenase 2; minus strand). Cytogenetic location: 3p21.31.
Variant type: single nucleotide variant.
Coding change: c.1305C>G on transcript NM_000884.3 (MANE Select); coding-DNA position 1305, C replaced by G.
Protein change: p.Asp435Glu; replaces aspartic acid 435 with glutamic acid.
Molecular consequence: missense variant.
Genome position (GRCh38, 1-based): chr3:49,024,793, G>C on the plus strand (C>G on the coding strand, the complement: IMPDH2 is on the minus strand). VCF-style: chr3-49024793-G-C. GRCh37 (hg19) VCF-style: chr3-49062226-G-C.
Other names: c.1377C>G, p.Asp459Glu (NM_001410759.1); c.1302C>G, p.Asp434Glu (NM_001410760.1); c.1230C>G, p.Asp410Glu (NM_001410761.1); short protein forms D410E, D434E, D435E, D459E.
Identifiers: ClinVar variation 3343489 (VCV003343489.1).

ClinVar aggregate classification (germline): Uncertain significance (1 of 4 stars; one submission).

gnomAD v4.1: 1 of 1,614,204 alleles (0.000062%); highest among the groups gnomAD compares: Non-Finnish European, 0.000085%; no homozygotes.

Submission:

GeneDx
Classification: Uncertain significance. Last evaluated: 2023-05-13. Review status: criteria provided, single submitter. Criteria: GeneDx Variant Classification Process June 2021. Collection method: clinical testing. Allele origin: germline. Affected: yes.
Comment: Not observed at significant frequency in large population cohorts (gnomAD); In silico analysis supports that this missense variant has a deleterious effect on protein structure/function; Has not been previously published as pathogenic or benign to our knowledge